The following is an entry in ClinVar:

ClinVar aggregate classification (germline): Uncertain significance (1 of 4 stars; one submission).

Conditions:
Hereditary cancer-predisposing syndrome. Also called: Tumor predisposition; Neoplastic Syndromes, Hereditary; Hereditary neoplastic syndrome; Hereditary Cancer Syndrome. Identifiers: Orphanet 140162, MedGen C0027672, MeSH D009386, MONDO:0015356.

Submission:

Ambry Genetics
Classification: Uncertain significance for Hereditary cancer-predisposing syndrome. Last evaluated: 2025-06-26. Review status: criteria provided, single submitter. Criteria: Ambry Variant Classification Scheme 2023. Collection method: clinical testing. Allele origin: germline.
Comment: The c.2544-3C>G intronic variant results from a C to G substitution 3 nucleotides upstream from coding exon 19 in the MSH3 gene. This nucleotide position is well conserved in available vertebrate species. In silico splice site analysis predicts that this alteration will weaken the native splice acceptor site. Based on the available evidence, the clinical significance of this variant remains unclear.

NM_002439.5(MSH3):c.2544-3C>G

Gene: MSH3 (mutS homolog 3; plus strand). Cytogenetic location: 5q14.1.
Variant type: single nucleotide variant.
Coding change: c.2544-3C>G on transcript NM_002439.5 (MANE Select); 3 bases into the intron before coding-DNA position 2544, C replaced by G.
Molecular consequence: intron variant.
Genome position (GRCh38, 1-based): chr5:80,792,730, C>G. VCF-style: chr5-80792730-C-G. GRCh37 (hg19) VCF-style: chr5-80088549-C-G.
Identifiers: ClinVar variation 4111077 (VCV004111077.1).